The following is an entry in ClinVar:

NM_000294.3(PHKG2):c.635AGG[1] (p.Glu213del)

Gene: PHKG2 (phosphorylase kinase catalytic subunit gamma 2; plus strand). Cytogenetic location: 16p11.2.
Variant type: Microsatellite.
Coding change: c.635AGG[1] on transcript NM_000294.3 (MANE Select); one copy of the 3-base unit AGG starting at c.635; the reference has two copies in a row; one copy, 3 bases deleted; also written c.638_640del.
Protein change: p.Glu213del; deletes glutamic acid 213.
Molecular consequence: inframe deletion.
Genome position (GRCh38, 1-based): chr16:30,756,263-30,756,265, AGG deleted; deleting any 3 consecutive bases within chr16:30,756,260-30,756,265 gives the same sequence; the position shown is the placement nearest the transcript's 3' end. VCF-style (leftmost placement, unchanged base first): chr16-30756259-AAGG-A. GRCh37 (hg19) VCF-style: chr16-30767580-AAGG-A.
Other names: c.635AGG[1], p.Glu213del (NM_001172432.2); c.638_640del (NM_000294.3); short protein forms E213del.
Identifiers: ClinVar variation 1526237 (VCV001526237.1), dbSNP rs2151310152, ClinGen allele CA2580613466.

ClinVar aggregate classification (germline): Uncertain significance (1 of 4 stars; one submission).

Conditions:
Glycogen storage disease IXc (GSD9C). Also called: GSD IXc. Identifiers: Orphanet 264580, MedGen C2751643, MONDO:0013091, OMIM 613027.

Submission:

3billion
Classification: Uncertain significance for Glycogen storage disease IXc. Last evaluated: 2022-03-22. Review status: criteria provided, single submitter. Criteria: ACMG Guidelines, 2015. Collection method: clinical testing. Allele origin: germline. Affected: yes. Observed: 1 homozygote.
Comment: Inframe deletion located in a nonrepeat region: predicted to change the length of the protein and disrupt normal protein function.It is not observed in the gnomAD v2.1.1 dataset. Therefore, this variant is classified as uncertain significance according to the recommendation of ACMG/AMP guideline.